The following is an entry in ClinVar:

ClinVar aggregate classification (germline): Uncertain significance (1 of 4 stars; one submission).

Conditions:
Joubert syndrome 18 (JBTS18). Identifiers: Orphanet 2754, MedGen C3553758, MONDO:0013896, OMIM 614815.
Orofacial-digital syndrome IV (OFD4). Also called: Orofaciodigital syndrome IV; BARAITSER-BURN SYNDROME; OFD SYNDROME WITH TIBIAL DEFECTS; OFD SYNDROME, BARAITSER-BURN TYPE; OFDS IV; ORAL-FACIAL-DIGITAL SYNDROME, TYPE IV. Identifiers: Orphanet 2753, MedGen C0406727, MONDO:0009794, OMIM 258860.

Allele frequency attached by ClinVar (database versions not stated): gnomAD exomes below 0.00001; TOPMed below 0.00001; gnomAD 0.00001.
gnomAD v4.1: 2 of 1,614,018 alleles (0.00012%); highest among the groups gnomAD compares: Non-Finnish European, 0.00017%; no homozygotes.

Submission:

Labcorp Genetics (formerly Invitae), Labcorp
Classification: Uncertain significance for Joubert syndrome 18; Orofacial-digital syndrome IV. Last evaluated: 2022-06-30. Review status: criteria provided, single submitter. Criteria: Invitae Variant Classification Sherloc (09022015). Collection method: clinical testing. Allele origin: germline.
Comment: In summary, the available evidence is currently insufficient to determine the role of this variant in disease. Therefore, it has been classified as a Variant of Uncertain Significance. Algorithms developed to predict the effect of missense changes on protein structure and function output the following: SIFT: "Tolerated"; PolyPhen-2: "Benign"; Align-GVGD: "Class C0". The alanine amino acid residue is found in multiple mammalian species, which suggests that this missense change does not adversely affect protein function. This variant has not been reported in the literature in individuals affected with TCTN3-related conditions. This variant is not present in population databases (gnomAD no frequency). This sequence change replaces serine, which is neutral and polar, with alanine, which is neutral and non-polar, at codon 497 of the TCTN3 protein (p.Ser497Ala).

NM_015631.6(TCTN3):c.1489T>G (p.Ser497Ala)

Gene: TCTN3 (tectonic family member 3; minus strand). Cytogenetic location: 10q24.1.
Variant type: single nucleotide variant.
Coding change: c.1489T>G on transcript NM_015631.6 (MANE Select); coding-DNA position 1489, T replaced by G.
Protein change: p.Ser497Ala; replaces serine 497 with alanine.
Molecular consequence: missense variant.
Genome position (GRCh38, 1-based): chr10:95,680,573, A>C on the plus strand (T>G on the coding strand, the complement: TCTN3 is on the minus strand). VCF-style: chr10-95680573-A-C. GRCh37 (hg19) VCF-style: chr10-97440330-A-C.
Other names: c.1543T>G, p.Ser515Ala (NM_001013840.1); c.1045T>G, p.Ser349Ala (NM_001143973.2); c.1393T>G, p.Ser465Ala (NM_001410982.1); short protein forms S497A, S349A, S465A, S515A.
Identifiers: ClinVar variation 1953410 (VCV001953410.5), dbSNP rs2097942002, ClinGen allele CA377702058.
Genomic context (GRCh38, chr10:95,680,573, plus strand): 5'-CATGAGCTTGCGGGTTGGACAGGAGACCTACATATGCCCACAATACCTGGATCTCCAGGG[A>C]AACTGGTATGAGACAGCAGGAAGTACAGTTTATAGCCTGCAGAAGGGTAAAGAAGCATCT-3'
Protein context (NP_056446.4, residues 487-507): NCTSCCLIPV[Ser497Ala]LEIQVLWAYV